The following is an entry in ClinVar:

ClinVar aggregate classification (germline): Benign/Likely benign. Review status: criteria provided, multiple submitters, no conflicts (2 of 4 stars). 5 submissions from 5 submitters: Benign (3); Likely benign (1). 1 of the submissions does not count toward it. Last evaluated 2026-02-02.

Conditions:
PLVAP-related disorder. Also called: PLVAP-related condition.

Allele frequency attached by ClinVar (database versions not stated): gnomAD 0.00466; ESP Exome Variant Server 0.00531; gnomAD exomes 0.00777 and 0.01157; TOPMed 0.00824; 1000 Genomes Project 0.00839; 1000 Genomes Project 30x 0.00890; ExAC 0.00902.
gnomAD v4.1: 12,609 of 1,613,628 alleles (0.78%); highest among the groups gnomAD compares: Admixed American, 5.3%; 149 homozygotes.

Submissions (5):

Labcorp Genetics (formerly Invitae), Labcorp
Classification: Benign. Last evaluated: 2026-02-02. Review status: criteria provided, single submitter. Criteria: Invitae Variant Classification Sherloc (09022015). Collection method: clinical testing. Allele origin: germline.

Genomic Medicine Center of Excellence, King Faisal Specialist Hospital and Research Centre
Classification: Likely benign. Last evaluated: 2025-08-18. Review status: criteria provided, single submitter. Criteria: ACMG Guidelines, 2015. Collection method: clinical testing. Allele origin: germline.

Mayo Clinic Laboratories, Mayo Clinic
Classification: Benign. Last evaluated: 2024-06-20. Review status: criteria provided, single submitter. Criteria: ACMG Guidelines, 2015. Collection method: clinical testing. Allele origin: germline. Observed: 2 variant alleles.

Breakthrough Genomics
Classification: Benign. Review status: criteria provided, single submitter. Criteria: ACMG Guidelines, 2015. Collection method: not provided. Allele origin: germline. Inheritance: Autosomal recessive inheritance. Affected: yes.

PreventionGenetics, part of Exact Sciences
Classification: Benign for PLVAP-related condition. Last evaluated: 2019-02-26. Review status: no assertion criteria provided. Collection method: clinical testing. Allele origin: germline. Not counted in ClinVar's aggregate classification.
Comment: This variant is classified as benign based on ACMG/AMP sequence variant interpretation guidelines (Richards et al. 2015 PMID: 25741868, with internal and published modifications).

NM_031310.3(PLVAP):c.1187C>T (p.Pro396Leu)

Gene: PLVAP (plasmalemma vesicle associated protein; minus strand). Cytogenetic location: 19p13.11.
Variant type: single nucleotide variant.
Coding change: c.1187C>T on transcript NM_031310.3 (MANE Select); coding-DNA position 1187, C replaced by T.
Protein change: p.Pro396Leu; replaces proline 396 with leucine.
Molecular consequence: missense variant.
Genome position (GRCh38, 1-based): chr19:17,360,825, G>A on the plus strand (C>T on the coding strand, the complement: PLVAP is on the minus strand). VCF-style: chr19-17360825-G-A. GRCh37 (hg19) VCF-style: chr19-17471634-G-A.
Other names: p.Pro396Leu; short protein forms P396L.
Identifiers: ClinVar variation 791512 (VCV000791512.14), dbSNP rs117691659, ClinGen allele CA9293853.